The following is an entry in ClinVar:

ClinVar aggregate classification (germline): Uncertain significance. Review status: criteria provided, multiple submitters, no conflicts (2 of 4 stars). 10 submissions from 10 submitters: Uncertain significance (9). 1 of the submissions does not count toward it. Last evaluated 2026-01-31.

Conditions:
Hereditary cancer-predisposing syndrome. Also called: Hereditary neoplastic syndrome; Tumor predisposition; Neoplastic Syndromes, Hereditary; Hereditary Cancer Syndrome. Identifiers: Orphanet 140162, MedGen C0027672, MeSH D009386, MONDO:0015356.
Hereditary breast ovarian cancer syndrome. Also called: Hereditary breast and ovarian cancer syndrome; Breast and ovarian cancer; Hereditary breast and ovarian cancer syndrome (HBOC); BRCA1- and BRCA2-Associated Hereditary Breast and Ovarian Cancer; Hereditary breast and ovarian cancer; Hereditary breast and/or ovarian cancer syndrome. Identifiers: Orphanet 145, MedGen C0677776, MeSH D061325, MONDO:0003582. Disease mechanism: loss of function.
Breast-ovarian cancer, familial, susceptibility to, 2 (BROVCA2). Also called: BRCA2 Hereditary Breast and Ovarian Cancer. Identifiers: Orphanet 145, MedGen C2675520, MONDO:0012933, OMIM 612555. Disease mechanism: loss of function.
Familial cancer of breast. Also called: hereditary breast carcinoma; Hereditary breast cancer; BREAST CANCER, FAMILIAL. Identifiers: Orphanet 227535, MedGen C0346153, MONDO:0016419, OMIM 114480. Disease mechanism: loss of function.

Submissions (10):

Labcorp Genetics (formerly Invitae), Labcorp
Classification: Uncertain significance for Hereditary breast ovarian cancer syndrome. Last evaluated: 2026-01-31. Review status: criteria provided, single submitter. Criteria: Invitae Variant Classification Sherloc (09022015). Collection method: clinical testing. Allele origin: germline.
Comment: This variant, c.44_45insATT, results in the insertion of 1 amino acid(s) of the BRCA2 protein (p.Ile14_Phe15insLeu), but otherwise preserves the integrity of the reading frame. This variant is present in population databases (rs766906962, gnomAD 0.0009%). This variant has not been reported in the literature in individuals affected with BRCA2-related conditions. ClinVar contains an entry for this variant (Variation ID: 125984). Experimental studies and prediction algorithms are not available or were not evaluated, and the functional significance of this variant is currently unknown. In summary, the available evidence is currently insufficient to determine the role of this variant in disease. Therefore, it has been classified as a Variant of Uncertain Significance.

Quest Diagnostics Nichols Institute San Juan Capistrano
Classification: Uncertain significance. Last evaluated: 2025-08-13. Review status: criteria provided, single submitter. Criteria: Quest Diagnostics criteria. Collection method: clinical testing. Allele origin: unknown.
Comment: The BRCA2 c.44_45insATT (p.Ile14_Phe15insLeu) variant has been reported in the published literature in an individual with ovarian cancer (PMID: 32483276 (2020)). The frequency of this variant in the general population (Genome Aggregation Database) is uninformative in the assessment of its pathogenicity. Based on the available information, we are unable to determine the clinical significance of this variant.

Ambry Genetics
Classification: Uncertain significance for Hereditary cancer-predisposing syndrome. Last evaluated: 2025-08-05. Review status: criteria provided, single submitter. Criteria: Ambry Variant Classification Scheme 2023. Collection method: clinical testing. Allele origin: germline.
Comment: The c.44_45insATT variant (also known as p.I14_F15insL), located in coding exon 1 of the BRCA2 gene, results from an in-frame ATT insertion at nucleotide positions 44 to 45. This results in the insertion of a leucine residue between codons 14 and 15. This amino acid region is well conserved in available vertebrate species. In addition, this alteration is predicted to be neutral by in silico analysis (Choi Y et al. PLoS ONE. 2012; 7(10):e46688). Based on the available evidence, the clinical significance of this variant remains unclear.

Women's Health and Genetics/Laboratory Corporation of America, LabCorp
Classification: Uncertain significance. Last evaluated: 2025-03-28. Review status: criteria provided, single submitter. Criteria: LabCorp Variant Classification Summary - May 2015. Collection method: clinical testing. Allele origin: germline.
Comment: Variant summary: BRCA2 c.44_45insATT (p.Ile14_Phe15insLeu) results in an in-frame insertion that is predicted to insert one amino acids into the encoded protein. The variant allele was found at a frequency of 4e-06 in 251358 control chromosomes. The available data on variant occurrences in the general population are insufficient to allow any conclusion about variant significance. c.44_45insATT has been reported in the literature in at least one individual affected with Ovarian Cancer. These report(s) do not provide unequivocal conclusions about association of the variant with Hereditary Breast And Ovarian Cancer Syndrome. To our knowledge, no experimental evidence demonstrating an impact on protein function has been reported. The following publications have been ascertained in the context of this evaluation (PMID: 19941162, 32483276). ClinVar contains an entry for this variant (Variation ID: 125984). Based on the evidence outlined above, the variant was classified as uncertain significance.

Center for Genomic Medicine, Rigshospitalet, Copenhagen University Hospital
Classification: Uncertain significance. Last evaluated: 2025-03-04. Review status: criteria provided, single submitter. Criteria: ACMG Guidelines, 2015. Collection method: clinical testing. Allele origin: germline.

Blueprint Genetics
Classification: Uncertain significance. Last evaluated: 2024-11-05. Review status: criteria provided, single submitter. Criteria: ACMG Guidelines, 2015. Collection method: clinical testing. Allele origin: germline.

GeneDx
Classification: Uncertain significance. Last evaluated: 2024-07-09. Review status: criteria provided, single submitter. Criteria: GeneDx Variant Classification Process June 2021. Collection method: clinical testing. Allele origin: germline. Affected: yes.
Comment: In-frame insertion of 1 amino acid in a non-repeat region; In silico analysis indicates that this variant does not alter protein structure/function; Has not been previously published as pathogenic or benign to our knowledge; Not observed at significant frequency in large population cohorts (gnomAD); Also known as 272_273insATT, 272insATT and L15ins; This variant is associated with the following publications: (PMID: 19941162, 32483276)

Color Diagnostics, LLC DBA Color Health
Classification: Uncertain significance for Hereditary cancer-predisposing syndrome. Last evaluated: 2024-07-01. Review status: criteria provided, single submitter. Criteria: ACMG Guidelines, 2015. Collection method: clinical testing. Allele origin: germline.
Comment: This variant causes an in-frame insertion of 1 amino acid in exon 2 of the BRCA2 gene. To our knowledge, functional studies have not been reported for this variant. This variant has not been reported in individuals affected with hereditary cancer in the literature. This variant has been identified in 1/251358 chromosomes in the general population by the Genome Aggregation Database (gnomAD). The available evidence is insufficient to determine the role of this variant in disease conclusively. Therefore, this variant is classified as a Variant of Uncertain Significance.

Baylor Genetics
Classification: Uncertain significance for Familial cancer of breast. Last evaluated: 2024-02-29. Review status: criteria provided, single submitter. Criteria: ACMG Guidelines, 2015. Collection method: clinical testing. Allele origin: unknown.

Breast Cancer Information Core (BIC) (BRCA2)
Classification: Uncertain significance for Breast-ovarian cancer, familial 2. Last evaluated: 1999-04-05. Review status: no assertion criteria provided. Collection method: clinical testing. Allele origin: germline. Affected: yes. Observed: 2 variant alleles. Not counted in ClinVar's aggregate classification.

Literature cited by the submitters: PubMed 19941162 (cited by Quest Diagnostics Nichols Institute San Juan Capistrano and Women's Health and Genetics/Laboratory Corporation of America, LabCorp); PubMed 32483276 (cited by Quest Diagnostics Nichols Institute San Juan Capistrano and Women's Health and Genetics/Laboratory Corporation of America, LabCorp); PubMed 31853058 (cited by Quest Diagnostics Nichols Institute San Juan Capistrano).

NM_000059.4(BRCA2):c.44_45insATT (p.Ile14_Phe15insLeu)

Gene: BRCA2 (BRCA2 DNA repair associated; plus strand). Cytogenetic location: 13q13.1.
Variant type: Insertion.
Coding change: c.44_45insATT on transcript NM_000059.4 (MANE Select); coding-DNA positions 44 to 45, ATT inserted.
Protein change: p.Ile14_Phe15insLeu.
Molecular consequence: inframe insertion.
Genome position: GRCh38 VCF-style: chr13-32316502-T-TTTA. GRCh37 (hg19) VCF-style: chr13-32890639-T-TTTA.
Other names: L15ins.
Identifiers: ClinVar variation 125984 (VCV000125984.35), dbSNP rs80359445, ClinGen allele CA020192.